The following is an entry in ClinVar:

ClinVar aggregate classification (germline): Uncertain significance. Review status: criteria provided, multiple submitters, no conflicts (2 of 4 stars). 2 submissions from 2 submitters: Uncertain significance (2). Last evaluated 2025-08-21.

Conditions:
Ullrich congenital muscular dystrophy 2 (UCMD2). Identifiers: Orphanet 75840, MedGen C4225314, MONDO:0014654, OMIM 616470.
Bethlem myopathy 2 (BTHLM2). Identifiers: Orphanet 536516, Orphanet 610, MedGen C4225313, MONDO:0034022, OMIM 616471.

Submissions (2):

Dasa
Classification: Uncertain significance. Last evaluated: 2025-08-21. Review status: criteria provided, single submitter. Criteria: DASA Assertion Criteria. Collection method: clinical testing. Allele origin: germline.
Comment: NM_004370.6(COL12A1):c.1023T>G (p.Ile341Met) is a missense variant that results in the substitution of isoleucine with methionine. This variant is absent from population databases. Computational prediction algorithms are consistent with a benign effect. The currently available literature and clinical evidence are not sufficient to establish a definitive association between this variant and the reported condition. Therefore, this variant is classified as a variant of uncertain significance.

Labcorp Genetics (formerly Invitae), Labcorp
Classification: Uncertain significance for Bethlem myopathy 2; Ullrich congenital muscular dystrophy 2. Last evaluated: 2022-10-17. Review status: criteria provided, single submitter. Criteria: Invitae Variant Classification Sherloc (09022015). Collection method: clinical testing. Allele origin: germline.
Comment: In summary, the available evidence is currently insufficient to determine the role of this variant in disease. Therefore, it has been classified as a Variant of Uncertain Significance. Advanced modeling of protein sequence and biophysical properties (such as structural, functional, and spatial information, amino acid conservation, physicochemical variation, residue mobility, and thermodynamic stability) performed at Invitae indicates that this missense variant is not expected to disrupt COL12A1 protein function. This variant has not been reported in the literature in individuals affected with COL12A1-related conditions. This variant is not present in population databases (gnomAD no frequency). This sequence change replaces isoleucine, which is neutral and non-polar, with methionine, which is neutral and non-polar, at codon 341 of the COL12A1 protein (p.Ile341Met).

NM_004370.6(COL12A1):c.1023T>G (p.Ile341Met)

Gene: COL12A1 (collagen type XII alpha 1 chain; minus strand). Cytogenetic location: 6q13.
Variant type: single nucleotide variant.
Coding change: c.1023T>G on transcript NM_004370.6 (MANE Select); coding-DNA position 1023, T replaced by G.
Protein change: p.Ile341Met; replaces isoleucine 341 with methionine.
Molecular consequence: missense variant. On other transcripts: intron variant (1).
Genome position (GRCh38, 1-based): chr6:75,184,119, A>C on the plus strand (T>G on the coding strand, the complement: COL12A1 is on the minus strand). VCF-style: chr6-75184119-A-C. GRCh37 (hg19) VCF-style: chr6-75893835-A-C.
Other names: c.73+18601T>G (NM_080645.3); short protein forms I341M.
Identifiers: ClinVar variation 2130041 (VCV002130041.6), dbSNP rs747827698, ClinGen allele CA364774236.
Genomic context (GRCh38, chr6:75,184,119, plus strand): 5'-CACTGGACTAGGAGATGGATTCCAATTTAGCTTAACATATTTTGAAGAGACTTCCATGGC[A>C]ATCAAATTTGAAGGAGGCTCAACAACTAAAAAGTTACAAGCAGACAGTGATTAATAACAG-3'
Protein context (NP_004361.3, residues 331-351): EEVVEPPSNL[Ile341Met]AMEVSSKYVK